The following is an entry in ClinVar:

NM_000152.5(GAA):c.280C>A (p.Pro94Thr)

Gene: GAA (alpha glucosidase; plus strand). Cytogenetic location: 17q25.3.
Variant type: single nucleotide variant.
Coding change: c.280C>A on transcript NM_000152.5 (MANE Select); coding-DNA position 280, C replaced by A.
Protein change: p.Pro94Thr; replaces proline 94 with threonine.
Molecular consequence: missense variant.
Genome position (GRCh38, 1-based): chr17:80,104,866, C>A. VCF-style: chr17-80104866-C-A. GRCh37 (hg19) VCF-style: chr17-78078665-C-A.
Other names: c.280C>A, p.Pro94Thr (NM_001079803.3, NM_001079804.3); short protein forms P94T.
Identifiers: ClinVar variation 840817 (VCV000840817.9), dbSNP rs749496973, ClinGen allele CA8814838.

ClinVar aggregate classification (germline): Uncertain significance. Review status: criteria provided, multiple submitters, no conflicts (2 of 4 stars). 3 submissions from 3 submitters: Uncertain significance (2). 1 of the submissions does not count toward it. Last evaluated 2024-05-21.

Conditions:
Glycogen storage disease, type II (IOPD). Also called: POMPE DISEASE, INFANTILE-ONSET; GLYCOGEN STORAGE DISEASE II, INFANTILE-ONSET; ACID ALPHA-GLUCOSIDASE DEFICIENCY, INFANTILE-ONSET; GAA DEFICIENCY, INFANTILE-ONSET; ACID MALTASE DEFICIENCY, INFANTILE-ONSET; GLYCOGENOSIS, GENERALIZED, CARDIAC FORM. Identifiers: Orphanet 365, MedGen C0017921, MONDO:0009290, OMIM 232300.

Allele frequency attached by ClinVar (database versions not stated): ExAC 0.00002; gnomAD 0.00002; TOPMed 0.00003.
gnomAD v4.1: 58 of 1,612,904 alleles (0.0036%); highest among the groups gnomAD compares: Non-Finnish European, 0.0045%; no homozygotes.

Submissions (3):

Revvity Omics, Revvity
Classification: Uncertain significance. Last evaluated: 2024-05-21. Review status: criteria provided, single submitter. Criteria: ACMG Guidelines, 2015. Collection method: clinical testing. Allele origin: germline.

Labcorp Genetics (formerly Invitae), Labcorp
Classification: Uncertain significance for Glycogen storage disease, type II. Last evaluated: 2022-10-01. Review status: criteria provided, single submitter. Criteria: Invitae Variant Classification Sherloc (09022015). Collection method: clinical testing. Allele origin: germline.
Comment: This sequence change replaces proline, which is neutral and non-polar, with threonine, which is neutral and polar, at codon 94 of the GAA protein (p.Pro94Thr). This variant is present in population databases (rs749496973, gnomAD 0.008%). This variant has not been reported in the literature in individuals affected with GAA-related conditions. ClinVar contains an entry for this variant (Variation ID: 840817). Advanced modeling of protein sequence and biophysical properties (such as structural, functional, and spatial information, amino acid conservation, physicochemical variation, residue mobility, and thermodynamic stability) performed at Invitae indicates that this missense variant is expected to disrupt GAA protein function. In summary, the available evidence is currently insufficient to determine the role of this variant in disease. Therefore, it has been classified as a Variant of Uncertain Significance.

Natera, Inc.
Classification: Uncertain significance for Glycogen storage disease type II. Last evaluated: 2020-09-28. Review status: no assertion criteria provided. Collection method: clinical testing. Allele origin: germline. Not counted in ClinVar's aggregate classification.